The following is an entry in ClinVar:

NM_004832.3(GSTO1):c.419C>A (p.Ala140Asp)

Gene: GSTO1 (glutathione S-transferase omega 1; plus strand). Cytogenetic location: 10q25.1.
Variant type: single nucleotide variant.
Coding change: c.419C>A on transcript NM_004832.3 (MANE Select); coding-DNA position 419, C replaced by A.
Protein change: p.Ala140Asp; replaces alanine 140 with aspartic acid.
Molecular consequence: missense variant. On other transcripts: intron variant (1).
Genome position (GRCh38, 1-based): chr10:104,263,031, C>A. VCF-style: chr10-104263031-C-A. GRCh37 (hg19) VCF-style: chr10-106022789-C-A.
Other names: c.335C>A, p.Ala112Asp (NM_001191003.2); c.367-3053C>A (NM_001191002.2); short protein forms A112D, A140D.
Identifiers: ClinVar variation 3059603 (VCV003059603.2), dbSNP rs4925, ClinGen allele CA5681578.

ClinVar aggregate classification (germline): Benign (0 of 4 stars; one submission).

Conditions:
GSTO1-related disorder. Also called: GSTO1-related condition.

Allele frequency attached by ClinVar (database versions not stated): 1000 Genomes Project 30x 0.17536; 1000 Genomes Project 0.17732; TOPMed 0.22883; gnomAD 0.23554; ESP Exome Variant Server 0.24189; ExAC 0.25203; gnomAD exomes 0.27294.
gnomAD v4.1: 408,282 of 1,519,098 alleles (27%); highest among the groups gnomAD compares: Middle Eastern, 32%; 58,948 homozygotes.

Submission:

PreventionGenetics, part of Exact Sciences
Classification: Benign for GSTO1-related condition. Last evaluated: 2019-10-17. Review status: no assertion criteria provided. Collection method: clinical testing. Allele origin: germline.
Comment: This variant is classified as benign based on ACMG/AMP sequence variant interpretation guidelines (Richards et al. 2015 PMID: 25741868, with internal and published modifications).